The following is an entry in ClinVar:

ClinVar aggregate classification (germline): Pathogenic (1 of 4 stars; one submission).

Conditions:
Severe X-linked myotubular myopathy (CNMX). Also called: MYOTUBULAR MYOPATHY 1; X-linked centronuclear myopathy; Myotubular myopathy, X-linked. Identifiers: Orphanet 596, MedGen C0410203, MONDO:0010683, OMIM 310400.

Submission:

Labcorp Genetics (formerly Invitae), Labcorp
Classification: Pathogenic for Severe X-linked myotubular myopathy. Last evaluated: 2024-04-29. Review status: criteria provided, single submitter. Criteria: Invitae Variant Classification Sherloc (09022015). Collection method: clinical testing. Allele origin: germline.
Comment: This sequence change creates a premature translational stop signal (p.Leu72*) in the MTM1 gene. It is expected to result in an absent or disrupted protein product. Loss-of-function variants in MTM1 are known to be pathogenic (PMID: 9305655, 10063835). This variant is not present in population databases (gnomAD no frequency). This variant has not been reported in the literature in individuals affected with MTM1-related conditions. For these reasons, this variant has been classified as Pathogenic.

Literature cited by the submitters: PubMed 9305655; PubMed 10063835.

NM_000252.3(MTM1):c.215del (p.Tyr71_Leu72insTer)

Gene: MTM1 (myotubularin 1; plus strand). Cytogenetic location: Xq28.
Variant type: Deletion.
Coding change: c.215del on transcript NM_000252.3 (MANE Select); coding-DNA position 215, one base deleted (T; older notation c.215delT).
Protein change: p.Tyr71_Leu72insTer.
Molecular consequence: nonsense.
Genome position (GRCh38, 1-based): chrX:150,598,670, T deleted; the last of 3 consecutive T bases (chrX:150,598,668-150,598,670); deleting any one gives the same sequence. VCF-style (leftmost placement, unchanged base first): chrX-150598667-AT-A. GRCh37 (hg19) VCF-style: chrX-149767131-AT-A.
Other names: c.215del, p.Tyr71_Leu72insTer (NM_001376906.1, NM_001376907.1, NM_001376908.1).
Identifiers: ClinVar variation 3649082 (VCV003649082.2).